The following is an entry in ClinVar:

NM_000368.5(TSC1):c.2556G>C (p.Leu852=)

Gene: TSC1 (TSC complex subunit 1; minus strand). Cytogenetic location: 9q34.13.
Variant type: single nucleotide variant.
Coding change: c.2556G>C on transcript NM_000368.5 (MANE Select); coding-DNA position 2556, G replaced by C.
Protein change: p.Leu852=; no amino-acid change (leucine 852 retained).
Molecular consequence: synonymous variant.
Genome position (GRCh38, 1-based): chr9:132,900,784, C>G on the plus strand (G>C on the coding strand, the complement: TSC1 is on the minus strand). VCF-style: chr9-132900784-C-G. GRCh37 (hg19) VCF-style: chr9-135776171-C-G.
Other names: c.2553G>C, p.Leu851= (NM_001162426.2); c.2403G>C, p.Leu801= (NM_001162427.2); c.2193G>C, p.Leu731= (NM_001362177.2).
Identifiers: ClinVar variation 365515 (VCV000365515.28), dbSNP rs770381040, ClinGen allele CA033432.

ClinVar aggregate classification (germline): Conflicting classifications of pathogenicity. Review status: criteria provided, conflicting classifications (1 of 4 stars). 8 submissions from 7 submitters: Uncertain significance (1); Benign (1); Likely benign (6). Last evaluated 2026-01-28.

Conditions:
Tuberous sclerosis 1 (TSC1). Identifiers: Orphanet 805, MedGen C1854465, MONDO:0008612, OMIM 191100.
Hereditary cancer-predisposing syndrome. Also called: Neoplastic Syndromes, Hereditary; Tumor predisposition; Hereditary Cancer Syndrome; Hereditary neoplastic syndrome. Identifiers: Orphanet 140162, MedGen C0027672, MeSH D009386, MONDO:0015356.
Tuberous sclerosis syndrome (TSC). Also called: Tuberous sclerosis; Tuberous Sclerosis Complex. Identifiers: Orphanet 805, MedGen C0041341, MONDO:0001734.
Isolated focal cortical dysplasia type II (FCORD2). Also called: CORTICAL DYSPLASIA OF TAYLOR; Focal cortical dysplasia type II. Identifiers: Orphanet 268994, MedGen C1846385, MONDO:0011818, OMIM 607341, HP:0032051.

Allele frequency attached by ClinVar (database versions not stated): gnomAD 0.00001; gnomAD exomes 0.00001; TOPMed 0.00001; ExAC 0.00002.
gnomAD v4.1: 15 of 1,614,092 alleles (0.00093%); highest among the groups gnomAD compares: Non-Finnish European, 0.0013%; no homozygotes.

Submissions (8):

Labcorp Genetics (formerly Invitae), Labcorp
Classification: Likely benign for Tuberous sclerosis 1. Last evaluated: 2026-01-28. Review status: criteria provided, single submitter. Criteria: Invitae Variant Classification Sherloc (09022015). Collection method: clinical testing. Allele origin: germline.

Myriad Genetics, Inc.
Classification: Benign for Tuberous sclerosis 1. Last evaluated: 2025-04-28. Review status: criteria provided, single submitter. Criteria: Myriad Autosomal Dominant, Autosomal Recessive and X-Linked Classification Criteria (2023). Collection method: clinical testing. Allele origin: unknown.
Comment: This variant is considered benign. This variant is a silent/synonymous amino acid change and it is not expected to impact splicing.

Color Diagnostics, LLC DBA Color Health
Classification: Likely benign for Tuberous sclerosis syndrome. Last evaluated: 2023-07-20. Review status: criteria provided, single submitter. Criteria: ACMG Guidelines, 2015. Collection method: clinical testing. Allele origin: germline.

Genome-Nilou Lab
Classification: Likely benign for Tuberous sclerosis 1. Last evaluated: 2021-11-07. Review status: criteria provided, single submitter. Criteria: ACMG Guidelines, 2015. Collection method: clinical testing. Allele origin: germline. Affected: no.

GeneDx
Classification: Likely benign. Last evaluated: 2020-02-25. Review status: criteria provided, single submitter. Criteria: GeneDx Variant Classification Process June 2021. Collection method: clinical testing. Allele origin: germline. Affected: yes.

Ambry Genetics
Classification: Likely benign for Hereditary cancer-predisposing syndrome. Last evaluated: 2019-06-06. Review status: criteria provided, single submitter. Criteria: Ambry Variant Classification Scheme 2023. Collection method: clinical testing. Allele origin: germline.

Illumina Laboratory Services, Illumina
Classification: Likely benign for Isolated focal cortical dysplasia type II. Last evaluated: 2018-01-13. Review status: criteria provided, single submitter. Criteria: ICSL Variant Classification Criteria 13 December 2019. Collection method: clinical testing. Allele origin: germline.
Comment: This variant was observed in the ICSL laboratory as part of a predisposition screen in an ostensibly healthy population. It had not been previously curated by ICSL or reported in the Human Gene Mutation Database (HGMD: prior to June 1st, 2018), and was therefore a candidate for classification through an automated scoring system. Utilizing variant allele frequency, disease prevalence and penetrance estimates, and inheritance mode, an automated score was calculated to assess if this variant is too frequent to cause the disease. Based on the score and internal cut-off values, a variant classified as likely benign is not then subjected to further curation. The score for this variant resulted in a classification of likely benign for this disease.

Illumina Laboratory Services, Illumina
Classification: Uncertain significance for Tuberous sclerosis 1. Last evaluated: 2018-01-13. Review status: criteria provided, single submitter. Criteria: ICSL Variant Classification Criteria 13 December 2019. Collection method: clinical testing. Allele origin: germline.